The following is an entry in ClinVar:

ClinVar aggregate classification (germline): Uncertain significance (1 of 4 stars; one submission).

Conditions:
Epileptic encephalopathy. Identifiers: MedGen C0543888, HP:0200134.

Allele frequency attached by ClinVar (database versions not stated): gnomAD exomes 0.00002 and 0.00004; ExAC 0.00004; gnomAD 0.00004 and 0.00005; TOPMed 0.00009; 1000 Genomes Project 30x 0.00031; 1000 Genomes Project 0.00040.
gnomAD v4.1: 37 of 1,611,834 alleles (0.0023%); highest among the groups gnomAD compares: African/African-American, 0.013%; no homozygotes.

Submission:

Labcorp Genetics (formerly Invitae), Labcorp
Classification: Uncertain significance for Epileptic encephalopathy. Last evaluated: 2025-04-12. Review status: criteria provided, single submitter. Criteria: Invitae Variant Classification Sherloc (09022015). Collection method: clinical testing. Allele origin: germline.
Comment: This sequence change replaces asparagine, which is neutral and polar, with serine, which is neutral and polar, at codon 852 of the FASN protein (p.Asn852Ser). This variant is present in population databases (rs540009159, gnomAD 0.01%). This variant has not been reported in the literature in individuals affected with FASN-related conditions. ClinVar contains an entry for this variant (Variation ID: 579057). An algorithm developed to predict the effect of missense changes on protein structure and function outputs the following: PolyPhen-2: "Benign". The serine amino acid residue is found in multiple mammalian species, which suggests that this missense change does not adversely affect protein function. In summary, the available evidence is currently insufficient to determine the role of this variant in disease. Therefore, it has been classified as a Variant of Uncertain Significance.

NM_004104.5(FASN):c.2555A>G (p.Asn852Ser)

Gene: FASN (fatty acid synthase; minus strand). Cytogenetic location: 17q25.3.
Variant type: single nucleotide variant.
Coding change: c.2555A>G on transcript NM_004104.5 (MANE Select); coding-DNA position 2555, A replaced by G.
Protein change: p.Asn852Ser; replaces asparagine 852 with serine.
Molecular consequence: missense variant.
Genome position (GRCh38, 1-based): chr17:82,088,428, T>C on the plus strand (A>G on the coding strand, the complement: FASN is on the minus strand). VCF-style: chr17-82088428-T-C. GRCh37 (hg19) VCF-style: chr17-80046304-T-C.
Other names: short protein forms N852S.
Identifiers: ClinVar variation 579057 (VCV000579057.11), dbSNP rs540009159, ClinGen allele CA8852753.